The following is an entry in ClinVar:

ClinVar aggregate classification (germline): Uncertain significance (1 of 4 stars; one submission).

Conditions:
Charcot-Marie-Tooth disease axonal type 2S. Also called: CHARCOT-MARIE-TOOTH DISEASE, AXONAL, AUTOSOMAL RECESSIVE, TYPE 2S; CHARCOT-MARIE-TOOTH NEUROPATHY, TYPE 2S. Identifiers: Orphanet 443073, MedGen C4015349, MONDO:0014511, OMIM 616155.
Autosomal recessive distal spinal muscular atrophy 1. Also called: NEURONOPATHY, DISTAL HEREDITARY MOTOR, HARDING TYPE VI; NEUROPATHY, DISTAL HEREDITARY MOTOR, AUTOSOMAL RECESSIVE 1; SEVERE INFANTILE AXONAL NEUROPATHY WITH RESPIRATORY FAILURE; SPINAL MUSCULAR ATROPHY, DIAPHRAGMATIC; HMN VI; Spinal muscular atrophy with respiratory distress 1. Identifiers: Orphanet 98920, MedGen C1858517, MONDO:0011436, OMIM 604320.

Submission:

Labcorp Genetics (formerly Invitae), Labcorp
Classification: Uncertain significance for Autosomal recessive distal spinal muscular atrophy 1; Charcot-Marie-Tooth disease axonal type 2S. Last evaluated: 2022-01-12. Review status: criteria provided, single submitter. Criteria: Invitae Variant Classification Sherloc (09022015). Collection method: clinical testing. Allele origin: germline.
Comment: This sequence change replaces alanine, which is neutral and non-polar, with threonine, which is neutral and polar, at codon 813 of the IGHMBP2 protein (p.Ala813Thr). This variant is not present in population databases (gnomAD no frequency). This variant has not been reported in the literature in individuals affected with IGHMBP2-related conditions. Advanced modeling of protein sequence and biophysical properties (such as structural, functional, and spatial information, amino acid conservation, physicochemical variation, residue mobility, and thermodynamic stability) performed at Invitae indicates that this missense variant is not expected to disrupt IGHMBP2 protein function. In summary, the available evidence is currently insufficient to determine the role of this variant in disease. Therefore, it has been classified as a Variant of Uncertain Significance.

NM_002180.3(IGHMBP2):c.2437G>A (p.Ala813Thr)

Gene: IGHMBP2 (immunoglobulin mu DNA binding protein 2; plus strand). Cytogenetic location: 11q13.3.
Variant type: single nucleotide variant.
Coding change: c.2437G>A on transcript NM_002180.3 (MANE Select); coding-DNA position 2437, G replaced by A.
Protein change: p.Ala813Thr; replaces alanine 813 with threonine.
Molecular consequence: missense variant.
Genome position (GRCh38, 1-based): chr11:68,936,917, G>A. VCF-style: chr11-68936917-G-A. GRCh37 (hg19) VCF-style: chr11-68704385-G-A.
Other names: short protein forms A813T.
Identifiers: ClinVar variation 2078120 (VCV002078120.1), dbSNP rs2496075943, ClinGen allele CA381653629.